The following is an entry in ClinVar:

ClinVar aggregate classification (germline): Pathogenic (1 of 4 stars; one submission).

Conditions:
Hereditary cancer-predisposing syndrome. Also called: Neoplastic Syndromes, Hereditary; Tumor predisposition; Hereditary Cancer Syndrome; Hereditary neoplastic syndrome. Identifiers: Orphanet 140162, MedGen C0027672, MeSH D009386, MONDO:0015356.

Submission:

Ambry Genetics
Classification: Pathogenic for Hereditary cancer-predisposing syndrome. Last evaluated: 2017-05-25. Review status: criteria provided, single submitter. Criteria: Ambry Variant Classification Scheme 2023. Collection method: clinical testing. Allele origin: germline.
Comment: The c.7618-2_7643del28ins18 intronic pathogenic mutation results from a deletion of 28 nucleotides and an insertion of 18 nucleotides beginning two nucleotides upstream from coding exon 15 of the BRCA2 gene. This pathogenic mutation is not only expected to affect splicing but also to cause a translational frameshift with a predicted alternate stop codon. Alterations that disrupt the canonical splice site are expected to cause aberrant splicing, resulting in an abnormal protein or a transcript that is subject to nonsense-mediated mRNA decay. As such, this alteration is interpreted as a disease-causing mutation.

NM_000059.4(BRCA2):c.7618-2_7643delinsGTGTTATTTTGTTTTATT

Gene: BRCA2 (BRCA2 DNA repair associated; plus strand). Cytogenetic location: 13q13.1.
Variant type: Indel.
Coding change: c.7618-2_7643delinsGTGTTATTTTGTTTTATT on transcript NM_000059.4 (MANE Select); the canonical splice acceptor site of the intron before coding-DNA position 7618 through coding-DNA position 7643, AGCTGTATACGTATGGCGTTTCTAAACA replaced by GTGTTATTTTGTTTTATT.
Molecular consequence: splice acceptor variant.
Genome position (GRCh38, 1-based): chr13:32,357,740-32,357,767, AGCTGTATACGTATGGCGTTTCTAAACA replaced by GTGTTATTTTGTTTTATT. GRCh37 (hg19): chr13:32,931,877-32,931,904.
Identifiers: ClinVar variation 1759825 (VCV001759825.2), dbSNP rs2548542414, ClinGen allele CA2580087327.